The following is an entry in ClinVar:

NM_003901.4(SGPL1):c.1567-3T>G

Gene: SGPL1 (sphingosine-1-phosphate lyase 1; plus strand). Cytogenetic location: 10q22.1.
Variant type: single nucleotide variant.
Coding change: c.1567-3T>G on transcript NM_003901.4 (MANE Select); 3 bases into the intron before coding-DNA position 1567, T replaced by G.
Molecular consequence: intron variant.
Genome position (GRCh38, 1-based): chr10:70,877,192, T>G. VCF-style: chr10-70877192-T-G. GRCh37 (hg19) VCF-style: chr10-72636949-T-G.
Identifiers: ClinVar variation 2180587 (VCV002180587.2), dbSNP rs756380830, ClinGen allele CA209398447.

ClinVar aggregate classification (germline): Uncertain significance (1 of 4 stars; one submission).

Allele frequency attached by ClinVar (database versions not stated): TOPMed 0.00003; gnomAD exomes 0.00004.

Submissions (2):

Labcorp Genetics (formerly Invitae), Labcorp
Classification: Uncertain significance. Last evaluated: 2022-03-05. Review status: criteria provided, single submitter. Criteria: Invitae Variant Classification Sherloc (09022015). Collection method: clinical testing. Allele origin: germline.
Comment: This sequence change falls in intron 14 of the SGPL1 gene. It does not directly change the encoded amino acid sequence of the SGPL1 protein. It affects a nucleotide within the consensus splice site. This variant is not present in population databases (gnomAD no frequency). This variant has not been reported in the literature in individuals affected with SGPL1-related conditions. Variants that disrupt the consensus splice site are a relatively common cause of aberrant splicing (PMID: 17576681, 9536098). Algorithms developed to predict the effect of sequence changes on RNA splicing suggest that this variant may disrupt the consensus splice site. In summary, the available evidence is currently insufficient to determine the role of this variant in disease. Therefore, it has been classified as a Variant of Uncertain Significance.

Dr. Peter K. Rogan Lab, Western University
No classification provided (evidence only). Condition: Sarcoma. Review status: no classification provided. Collection method: in vitro. Allele origin: not applicable. Functional consequence: retained intron. Not counted in ClinVar's aggregate classification.

Literature cited by the submitters: PubMed 17576681 (cited by Labcorp Genetics (formerly Invitae), Labcorp); PubMed 9536098 (cited by Labcorp Genetics (formerly Invitae), Labcorp).